The following is an entry in ClinVar:

NM_032608.7(MYO18B):c.2695+5A>G

Gene: MYO18B (myosin XVIIIB; plus strand). Cytogenetic location: 22q12.1.
Variant type: single nucleotide variant.
Coding change: c.2695+5A>G on transcript NM_032608.7 (MANE Select); 5 bases into the intron after coding-DNA position 2695, A replaced by G.
Molecular consequence: intron variant.
Genome position (GRCh38, 1-based): chr22:25,823,683, A>G. VCF-style: chr22-25823683-A-G. GRCh37 (hg19) VCF-style: chr22-26219650-A-G.
Other names: c.2695+5A>G (NM_001318245.2, NM_032608.6).
Identifiers: ClinVar variation 1421101 (VCV001421101.5), dbSNP rs370714638, ClinGen allele CA10160269.

ClinVar aggregate classification (germline): Conflicting classifications of pathogenicity. Review status: criteria provided, conflicting classifications (1 of 4 stars). 3 submissions from 3 submitters: Uncertain significance (1); Likely benign (2). Last evaluated 2025-01-09.

Conditions:
MYO18B-related disorder. Also called: MYO18B-related condition.

Allele frequency attached by ClinVar (database versions not stated): gnomAD exomes 0.00004 and 0.00006; ExAC 0.00009; TOPMed 0.00025; gnomAD 0.00030 and 0.00031; ESP Exome Variant Server 0.00032.
gnomAD v4.1: 104 of 1,613,666 alleles (0.0064%); highest among the groups gnomAD compares: African/African-American, 0.087%; no homozygotes.

Submissions (3):

PreventionGenetics, part of Exact Sciences
Classification: Likely benign for MYO18B-related condition. Last evaluated: 2025-01-09. Review status: criteria provided, single submitter. Criteria: ACMG Guidelines, 2015. Collection method: clinical testing. Allele origin: germline.
Comment: This variant is classified as likely benign based on ACMG/AMP sequence variant interpretation guidelines (Richards et al. 2015 PMID: 25741868, with internal and published modifications).

Blueprint Genetics
Classification: Likely benign. Last evaluated: 2022-12-09. Review status: criteria provided, single submitter. Criteria: ACMG Guidelines, 2015. Collection method: clinical testing. Allele origin: germline.

Labcorp Genetics (formerly Invitae), Labcorp
Classification: Uncertain significance. Last evaluated: 2022-07-12. Review status: criteria provided, single submitter. Criteria: Invitae Variant Classification Sherloc (09022015). Collection method: clinical testing. Allele origin: germline.
Comment: This sequence change falls in intron 13 of the MYO18B gene. It does not directly change the encoded amino acid sequence of the MYO18B protein. It affects a nucleotide within the consensus splice site. This variant is present in population databases (rs370714638, gnomAD 0.06%). This variant has not been reported in the literature in individuals affected with MYO18B-related conditions. ClinVar contains an entry for this variant (Variation ID: 1421101). Variants that disrupt the consensus splice site are a relatively common cause of aberrant splicing (PMID: 17576681, 9536098). Algorithms developed to predict the effect of sequence changes on RNA splicing suggest that this variant may disrupt the consensus splice site. In summary, the available evidence is currently insufficient to determine the role of this variant in disease. Therefore, it has been classified as a Variant of Uncertain Significance.

Literature cited by the submitters: PubMed 17576681 (cited by Labcorp Genetics (formerly Invitae), Labcorp); PubMed 9536098 (cited by Labcorp Genetics (formerly Invitae), Labcorp).